The following is an entry in ClinVar:

NM_020911.2(PLXNA4):c.3253A>T (p.Ile1085Phe)

Gene: PLXNA4 (plexin A4; minus strand). Cytogenetic location: 7q32.3.
Variant type: single nucleotide variant.
Coding change: c.3253A>T on transcript NM_020911.2 (MANE Select); coding-DNA position 3253, A replaced by T.
Protein change: p.Ile1085Phe; replaces isoleucine 1085 with phenylalanine.
Molecular consequence: missense variant.
Genome position (GRCh38, 1-based): chr7:132,181,620, T>A on the plus strand (A>T on the coding strand, the complement: PLXNA4 is on the minus strand). VCF-style: chr7-132181620-T-A. GRCh37 (hg19) VCF-style: chr7-131866379-T-A.
Other names: c.3253A>T, p.Ile1085Phe (NM_001393897.1); short protein forms I1085F.
Identifiers: ClinVar variation 4996720 (VCV004996720.1).

ClinVar aggregate classification (germline): Uncertain significance (1 of 4 stars; one submission).

Conditions:
PLXNA4-related disorder. Also called: PLXNA4-related condition.

Submission:

PreventionGenetics, part of Exact Sciences
Classification: Uncertain significance for PLXNA4-related condition. Last evaluated: 2025-06-12. Review status: criteria provided, single submitter. Criteria: ACMG Guidelines, 2015. Collection method: clinical testing. Allele origin: germline.
Comment: The PLXNA4 c.3253A>T variant is predicted to result in the amino acid substitution p.Ile1085Phe. To our knowledge, this variant has not been reported in the literature or in a large population database (gnomAD), indicating this variant is rare. At this time, the clinical significance of this variant is uncertain due to the absence of conclusive functional and genetic evidence.